The following is an entry in ClinVar:

NM_002691.4(POLD1):c.917G>A (p.Arg306His)

Gene: POLD1 (DNA polymerase delta 1, catalytic subunit; plus strand). Cytogenetic location: 19q13.33.
Variant type: single nucleotide variant.
Coding change: c.917G>A on transcript NM_002691.4 (MANE Select); coding-DNA position 917, G replaced by A.
Protein change: p.Arg306His; replaces arginine 306 with histidine.
Molecular consequence: missense variant. On other transcripts: non-coding transcript variant (1).
Genome position (GRCh38, 1-based): chr19:50,402,688, G>A. VCF-style: chr19-50402688-G-A. GRCh37 (hg19) VCF-style: chr19-50905945-G-A.
Other names: c.917G>A, p.Arg306His (NM_001256849.1, NM_001308632.1); c.917G>A (NM_002691.2); short protein forms R306H.
Identifiers: ClinVar variation 469394 (VCV000469394.20), dbSNP rs781682472, ClinGen allele CA9595954.

ClinVar aggregate classification (germline): Conflicting classifications of pathogenicity. Review status: criteria provided, conflicting classifications (1 of 4 stars). 8 submissions from 8 submitters: Uncertain significance (7); Likely benign (1). Last evaluated 2026-01-31.

Conditions:
POLD1-related polyposis and colorectal cancer syndrome (CRCS10). Also called: Colorectal cancer 10; COLORECTAL CANCER, SUSCEPTIBILITY TO, ON CHROMOSOME 19q; Colorectal cancer, susceptibility to, 10. Identifiers: Orphanet 220460, MedGen C2675481, MONDO:0012953, OMIM 612591.
POLD1-related disorder. Also called: POLD1-related condition; POLD1-related disorders.
Hereditary cancer-predisposing syndrome. Also called: Neoplastic Syndromes, Hereditary; Hereditary neoplastic syndrome; Tumor predisposition; Hereditary Cancer Syndrome. Identifiers: Orphanet 140162, MedGen C0027672, MeSH D009386, MONDO:0015356.

Allele frequency attached by ClinVar (database versions not stated): gnomAD 0.00001 and 0.00002; gnomAD exomes 0.00001; TOPMed 0.00002; ExAC 0.00004.

Submissions (8):

Labcorp Genetics (formerly Invitae), Labcorp
Classification: Uncertain significance for POLD1-related polyposis and colorectal cancer syndrome. Last evaluated: 2026-01-31. Review status: criteria provided, single submitter. Criteria: Invitae Variant Classification Sherloc (09022015). Collection method: clinical testing. Allele origin: germline.
Comment: This sequence change replaces arginine, which is basic and polar, with histidine, which is basic and polar, at codon 306 of the POLD1 protein (p.Arg306His). The frequency data for this variant in the population databases is considered unreliable, as metrics indicate poor data quality at this position in the gnomAD database. This variant has not been reported in the literature in individuals affected with POLD1-related conditions. ClinVar contains an entry for this variant (Variation ID: 469394). Invitae Evidence Modeling of protein sequence and biophysical properties (such as structural, functional, and spatial information, amino acid conservation, physicochemical variation, residue mobility, and thermodynamic stability) indicates that this missense variant is not expected to disrupt POLD1 protein function with a negative predictive value of 80%. In summary, the available evidence is currently insufficient to determine the role of this variant in disease. Therefore, it has been classified as a Variant of Uncertain Significance.

Blueprint Genetics
Classification: Uncertain significance. Last evaluated: 2024-10-11. Review status: criteria provided, single submitter. Criteria: ACMG Guidelines, 2015. Collection method: clinical testing. Allele origin: germline.

Ambry Genetics
Classification: Likely benign for Hereditary cancer-predisposing syndrome. Last evaluated: 2024-10-04. Review status: criteria provided, single submitter. Criteria: Ambry Variant Classification Scheme 2023. Collection method: clinical testing. Allele origin: germline.

GeneDx
Classification: Uncertain significance. Last evaluated: 2024-03-19. Review status: criteria provided, single submitter. Criteria: GeneDx Variant Classification Process June 2021. Collection method: clinical testing. Allele origin: germline. Affected: yes.
Comment: In silico analysis supports that this missense variant has a deleterious effect on protein structure/function; This variant is associated with the following publications: (PMID: 23525077, 34326862, 32041611)

ARUP Laboratories, Molecular Genetics and Genomics, ARUP Laboratories
Classification: Uncertain significance. Last evaluated: 2023-11-07. Review status: criteria provided, single submitter. Criteria: ARUP Molecular Germline Variant Investigation Process 2024. Collection method: clinical testing. Allele origin: germline.
Comment: The POLD1 c.917G>A; p.Arg306His variant (rs781682472) is reported in the literature in one individual affected with breast cancer and one individual from a dyslipidemia cohort (Bhai 2021, Dron 2020). This variant is also reported in ClinVar (Variation ID: 469394) and is found in the general population with an overall allele frequency of 0.002% (6/270786 alleles) in the Genome Aggregation Database. Computational analyses predict that this variant is neutral (REVEL: 0.142). However, this variant is located in the exonuclease domain (Palles 2013), and gene-disease association has been established for variants within the exonuclease domain (Seifert 2019). Due to limited information, the clinical significance of the p.Arg306His variant is uncertain at this time. References: Bhai P et al. Analysis of Sequence and Copy Number Variants in Canadian Patient Cohort With Familial Cancer Syndromes Using a Unique Next Generation Sequencing Based Approach. Front Genet. 2021 Jul 13;12:698595. PMID: 34326862. Dron JS et al. Six years' experience with LipidSeq: clinical and research learnings from a hybrid, targeted sequencing panel for dyslipidemias. BMC Med Genomics. 2020 Feb 10;13(1):23. PMID: 32041611. Palles C et al. Germline mutations affecting the proofreading domains of POLE and POLD1 predispose to colorectal adenomas and carcinomas. Nat Genet. 2013 Feb;45(2):136-44. PMID: 23263490. Seifert BA et al. Determining the clinical validity of hereditary colorectal cancer and polyposis susceptibility genes using the Clinical Genome Resource Clinical Validity Framework. Genet Med. 2019 Jul;21(7):1507-1516. PMID: 30523343.

PreventionGenetics, part of Exact Sciences
Classification: Uncertain significance for POLD1-related condition. Last evaluated: 2022-08-22. Review status: criteria provided, single submitter. Criteria: ACMG Guidelines, 2015. Collection method: clinical testing. Allele origin: germline.
Comment: The POLD1 c.917G>A variant is predicted to result in the amino acid substitution p.Arg306His. This variant was reported as a variant of uncertain significance in an individual with lipodystrophy (Dron et al 2020. PubMed ID: 32041611); however, to our knowledge, this variant has not been reported in association with cancer. This variant is reported in 0.0040% of alleles in individuals of European (Non-Finnish) descent in gnomAD. This variant has been interpreted as uncertain in the ClinVar database. At this time, the clinical significance of this variant is uncertain due to the absence of conclusive functional and genetic evidence.

Sema4
Classification: Uncertain significance for Hereditary cancer-predisposing syndrome. Last evaluated: 2021-07-22. Review status: criteria provided, single submitter. Criteria: Sema4 Curation Guidelines. Collection method: curation. Allele origin: germline.
Comment: To the best of our knowledge, the POLD1 c.917G>A (p.R306H) variant has not been reported in individuals with POLD1-related disease. It was observed in 5/123566 chromosomes of the Non-Finnish European subpopulation in the large and broad cohorts of the Genome Aggregation Database. The variant has been reported in ClinVar (Variation ID 469394). Functional studies have not been performed and in silico tool predictions of the variants effect on protein function are inconclusive. The evidence is insufficient to meet ACMG/AMP criteria for classifying the variant as benign or pathogenic. Thus, the clinical significance of this variant is currently uncertain.

Genetic Services Laboratory, University of Chicago
Classification: Uncertain significance. Last evaluated: 2020-11-06. Review status: criteria provided, single submitter. Criteria: ACMG Guidelines, 2015. Collection method: clinical testing. Allele origin: germline. Affected: no.
Comment: DNA sequence analysis of the POLD1 gene demonstrated a sequence change, c.917G>A, in exon 8 that results in an amino acid change, p.Arg306His. This sequence change does not appear to have been previously described in patients with POLD1-related disorders and has been described in the gnomAD database with a frequency of 0.004% in the European sub-population (dbSNP rs781682472). The p.Arg306His change affects a moderately conserved amino acid residue located in a domain of the POLD1 protein that is known to be functional. The p.Arg306His substitution appears to be benign using several in-silico pathogenicity prediction tools (SIFT, PolyPhen2, Align GVGD, REVEL). Due to these contrasting evidences and the lack of functional studies, the clinical significance of the p.Arg306His change remains unknown at this time.